The following is an entry in ClinVar:

ClinVar aggregate classification (germline): Uncertain significance (1 of 4 stars; one submission).

Submission:

Labcorp Genetics (formerly Invitae), Labcorp
Classification: Uncertain significance. Last evaluated: 2021-12-27. Review status: criteria provided, single submitter. Criteria: Invitae Variant Classification Sherloc (09022015). Collection method: clinical testing. Allele origin: germline.
Comment: In summary, the available evidence is currently insufficient to determine the role of this variant in disease. Therefore, it has been classified as a Variant of Uncertain Significance. Variants that disrupt the consensus splice site are a relatively common cause of aberrant splicing (PMID: 17576681, 9536098). Algorithms developed to predict the effect of sequence changes on RNA splicing suggest that this variant is not likely to affect RNA splicing. This variant has not been reported in the literature in individuals affected with TFAP2A-related conditions. This variant is not present in population databases (gnomAD no frequency). This sequence change falls in intron 5 of the TFAP2A gene. It does not directly change the encoded amino acid sequence of the TFAP2A protein. It affects a nucleotide within the consensus splice site.

Literature cited by the submitters: PubMed 17576681; PubMed 9536098.

NM_001372066.1(TFAP2A):c.889+4A>C

Gene: TFAP2A (transcription factor AP-2 alpha; minus strand). Cytogenetic location: 6p24.3.
Variant type: single nucleotide variant.
Coding change: c.889+4A>C on transcript NM_001372066.1 (MANE Select); 4 bases into the intron after coding-DNA position 889, A replaced by C.
Molecular consequence: intron variant.
Genome position (GRCh38, 1-based): chr6:10,402,488, T>G on the plus strand (A>C on the coding strand, the complement: TFAP2A is on the minus strand). VCF-style: chr6-10402488-T-G. GRCh37 (hg19) VCF-style: chr6-10402721-T-G.
Other names: c.871+4A>C (NM_001042425.3); c.865+4A>C (NM_001032280.3).
Identifiers: ClinVar variation 2063370 (VCV002063370.4), dbSNP rs2532358090, ClinGen allele CA2580074207.